The following is an entry in ClinVar:

ClinVar aggregate classification (germline): Uncertain significance (1 of 4 stars; one submission).

Conditions:
Primary ciliary dyskinesia. Also called: Ciliary dyskinesia. Identifiers: Orphanet 244, MedGen C0008780, MONDO:0016575, HP:0012265.

Submission:

Labcorp Genetics (formerly Invitae), Labcorp
Classification: Uncertain significance for Primary ciliary dyskinesia. Last evaluated: 2018-03-18. Review status: criteria provided, single submitter. Criteria: Invitae Variant Classification Sherloc (09022015). Collection method: clinical testing. Allele origin: germline.
Comment: This variant is not present in population databases (ExAC no frequency). This sequence change replaces glutamic acid with lysine at codon 313 of the DNAAF1 protein (p.Glu313Lys). The glutamic acid residue is highly conserved and there is a small physicochemical difference between glutamic acid and lysine. This variant has not been reported in the literature in individuals with DNAAF1-related disease. In summary, the available evidence is currently insufficient to determine the role of this variant in disease. Therefore, it has been classified as a Variant of Uncertain Significance. Algorithms developed to predict the effect of missense changes on protein structure and function do not agree on the potential impact of this missense change (SIFT: "Deleterious"; PolyPhen-2: "Probably Damaging"; Align-GVGD: "Class C15").

NM_178452.6(DNAAF1):c.937G>A (p.Glu313Lys)

Gene: DNAAF1 (dynein axonemal assembly factor 1; plus strand). Cytogenetic location: 16q24.1.
Variant type: single nucleotide variant.
Coding change: c.937G>A on transcript NM_178452.6 (MANE Select); coding-DNA position 937, G replaced by A.
Protein change: p.Glu313Lys; replaces glutamic acid 313 with lysine.
Molecular consequence: missense variant.
Genome position (GRCh38, 1-based): chr16:84,165,856, G>A. VCF-style: chr16-84165856-G-A. GRCh37 (hg19) VCF-style: chr16-84199462-G-A.
Other names: c.181G>A, p.Glu61Lys (NM_001318756.1); short protein forms E313K, E61K.
Identifiers: ClinVar variation 579034 (VCV000579034.9), dbSNP rs1567554737, ClinGen allele CA396946459.